The following is an entry in ClinVar:

ClinVar aggregate classification (germline): Uncertain significance (1 of 4 stars; one submission).

Conditions:
Glycogen storage disease, type II (IOPD). Also called: Glucosidase acid-1,4-alpha deficiency; Pompe Disease; CARDIOMEGALIA GLYCOGENICA DIFFUSA; POMPE DISEASE, INFANTILE-ONSET; GLYCOGEN STORAGE DISEASE II, INFANTILE-ONSET; ACID ALPHA-GLUCOSIDASE DEFICIENCY, INFANTILE-ONSET. Identifiers: Orphanet 365, MedGen C0017921, MONDO:0009290, OMIM 232300.

Submission:

Labcorp Genetics (formerly Invitae), Labcorp
Classification: Uncertain significance for Glycogen storage disease, type II. Last evaluated: 2022-04-12. Review status: criteria provided, single submitter. Criteria: Invitae Variant Classification Sherloc (09022015). Collection method: clinical testing. Allele origin: germline.
Comment: This sequence change replaces serine, which is neutral and polar, with alanine, which is neutral and non-polar, at codon 449 of the GAA protein (p.Ser449Ala). This variant is not present in population databases (gnomAD no frequency). This variant has not been reported in the literature in individuals affected with GAA-related conditions. Advanced modeling of protein sequence and biophysical properties (such as structural, functional, and spatial information, amino acid conservation, physicochemical variation, residue mobility, and thermodynamic stability) performed at Invitae indicates that this missense variant is not expected to disrupt GAA protein function. In summary, the available evidence is currently insufficient to determine the role of this variant in disease. Therefore, it has been classified as a Variant of Uncertain Significance.

NM_000152.5(GAA):c.1345T>G (p.Ser449Ala)

Gene: GAA (alpha glucosidase; plus strand). Cytogenetic location: 17q25.3.
Variant type: single nucleotide variant.
Coding change: c.1345T>G on transcript NM_000152.5 (MANE Select); coding-DNA position 1345, T replaced by G.
Protein change: p.Ser449Ala; replaces serine 449 with alanine.
Molecular consequence: missense variant.
Genome position (GRCh38, 1-based): chr17:80,109,963, T>G. VCF-style: chr17-80109963-T-G. GRCh37 (hg19) VCF-style: chr17-78083762-T-G.
Other names: c.1345T>G, p.Ser449Ala (NM_001079803.3, NM_001079804.3, NM_001406741.1 and 1 more transcripts); short protein forms S449A.
Identifiers: ClinVar variation 1962895 (VCV001962895.3), dbSNP rs2510369892, ClinGen allele CA401366303.